The following is an entry in ClinVar:

NM_017714.3(TASP1):c.645A>T (p.Gln215His)

Gene: TASP1 (taspase 1; minus strand). Cytogenetic location: 20p12.1.
Variant type: single nucleotide variant.
Coding change: c.645A>T on transcript NM_017714.3 (MANE Select); coding-DNA position 645, A replaced by T.
Protein change: p.Gln215His; replaces glutamine 215 with histidine.
Molecular consequence: missense variant. On other transcripts: intron variant (1).
Genome position (GRCh38, 1-based): chr20:13,559,038, T>A on the plus strand (A>T on the coding strand, the complement: TASP1 is on the minus strand). VCF-style: chr20-13559038-T-A. GRCh37 (hg19) VCF-style: chr20-13539685-T-A.
Other names: c.339A>T, p.Gln113His (NM_001323603.2, NM_001323604.2); c.283-24897A>T (NM_001323602.2); short protein forms Q113H, Q215H.
Identifiers: ClinVar variation 3032674 (VCV003032674.2), dbSNP rs770972601, ClinGen allele CA9766643.

ClinVar aggregate classification (germline): Likely benign (0 of 4 stars; one submission).

Conditions:
TASP1-related disorder. Also called: TASP1-related condition.

Allele frequency attached by ClinVar (database versions not stated): gnomAD exomes 0.00006; gnomAD 0.00009; TOPMed 0.00010; ExAC 0.00026.
gnomAD v4.1: 106 of 1,596,202 alleles (0.0066%); highest among the groups gnomAD compares: East Asian, 0.23%; no homozygotes.

Submission:

PreventionGenetics, part of Exact Sciences
Classification: Likely benign for TASP1-related condition. Last evaluated: 2022-03-15. Review status: no assertion criteria provided. Collection method: clinical testing. Allele origin: germline.
Comment: This variant is classified as likely benign based on ACMG/AMP sequence variant interpretation guidelines (Richards et al. 2015 PMID: 25741868, with internal and published modifications).